The following is an entry in ClinVar:

NM_138295.5(PKD1L1):c.910G>A (p.Ala304Thr)

Gene: PKD1L1 (polycystin 1 like 1, transient receptor potential channel interacting; minus strand). Cytogenetic location: 7p12.3.
Variant type: single nucleotide variant.
Coding change: c.910G>A on transcript NM_138295.5 (MANE Select); coding-DNA position 910, G replaced by A.
Protein change: p.Ala304Thr; replaces alanine 304 with threonine.
Molecular consequence: missense variant.
Genome position (GRCh38, 1-based): chr7:47,929,354, C>T on the plus strand (G>A on the coding strand, the complement: PKD1L1 is on the minus strand). VCF-style: chr7-47929354-C-T. GRCh37 (hg19) VCF-style: chr7-47968951-C-T.
Other names: short protein forms A304T.
Identifiers: ClinVar variation 2510811 (VCV002510811.3), dbSNP rs752177210, ClinGen allele CA4254198.

ClinVar aggregate classification (germline): Uncertain significance. Review status: criteria provided, multiple submitters, no conflicts (2 of 4 stars). 2 submissions from 2 submitters: Uncertain significance (2). Last evaluated 2023-05-23.

Conditions:
Inborn genetic diseases. Identifiers: MedGen C0950123, MeSH D030342.

Allele frequency attached by ClinVar (database versions not stated): gnomAD 0.00001; gnomAD exomes 0.00001; ExAC 0.00002.
gnomAD v4.1: 19 of 1,614,034 alleles (0.0012%); highest among the groups gnomAD compares: Non-Finnish European, 0.0015%; no homozygotes.

Submissions (2):

Ambry Genetics
Classification: Uncertain significance for Inborn genetic diseases. Last evaluated: 2023-05-23. Review status: criteria provided, single submitter. Criteria: Ambry Variant Classification Scheme 2023. Collection method: clinical testing. Allele origin: germline.

GeneDx
Classification: Uncertain significance. Last evaluated: 2023-05-22. Review status: criteria provided, single submitter. Criteria: GeneDx Variant Classification Process June 2021. Collection method: clinical testing. Allele origin: germline. Affected: yes.
Comment: Not observed at significant frequency in large population cohorts (gnomAD); In silico analysis supports that this missense variant does not alter protein structure/function; Has not been previously published as pathogenic or benign to our knowledge